The following is an entry in ClinVar:

NM_004006.3(DMD):c.3358G>T (p.Glu1120Ter)

Gene: DMD (dystrophin; minus strand). Cytogenetic location: Xp21.1.
Variant type: single nucleotide variant.
Coding change: c.3358G>T on transcript NM_004006.3 (MANE Select); coding-DNA position 3358, G replaced by T.
Protein change: p.Glu1120Ter; replaces glutamic acid 1120 with a stop codon.
Molecular consequence: nonsense.
Genome position (GRCh38, 1-based): chrX:32,463,513, C>A on the plus strand (G>T on the coding strand, the complement: DMD is on the minus strand). VCF-style: chrX-32463513-C-A. GRCh37 (hg19) VCF-style: chrX-32481630-C-A.
Other names: c.3334G>T, p.Glu1112Ter (NM_000109.4); c.3346G>T, p.Glu1116Ter (NM_004009.3); c.2989G>T, p.Glu997Ter (NM_004010.3); short protein forms E1120*, E997*, E1116*, E1112*.
Identifiers: ClinVar variation 587510 (VCV000587510.70), dbSNP rs1569563678, ClinGen allele CA412664450.

ClinVar aggregate classification (germline): Pathogenic/Likely pathogenic. Review status: criteria provided, multiple submitters, no conflicts (2 of 4 stars). 3 submissions from 3 submitters: Pathogenic (2); Likely pathogenic (1). Last evaluated 2022-01-12.

Conditions:
Duchenne muscular dystrophy (DMD). Also called: MUSCULAR DYSTROPHY, PSEUDOHYPERTROPHIC PROGRESSIVE, DUCHENNE TYPE; Duchenne Muscular Dystrophy (DMD). Identifiers: Orphanet 98896, MedGen C0013264, MONDO:0010679, OMIM 310200.
Abnormality of the musculature. Identifiers: MedGen C4021745, HP:0003011.

Submissions (3):

Labcorp Genetics (formerly Invitae), Labcorp
Classification: Pathogenic for Duchenne muscular dystrophy. Last evaluated: 2022-01-12. Review status: criteria provided, single submitter. Criteria: Invitae Variant Classification Sherloc (09022015). Collection method: clinical testing. Allele origin: germline.
Comment: This sequence change creates a premature translational stop signal (p.Glu1120*) in the DMD gene. It is expected to result in an absent or disrupted protein product. Loss-of-function variants in DMD are known to be pathogenic (PMID: 16770791, 25007885). This variant is not present in population databases (gnomAD no frequency). This premature translational stop signal has been observed in individual(s) with Becker muscular dystrophy (PMID: 31081998). ClinVar contains an entry for this variant (Variation ID: 587510). For these reasons, this variant has been classified as Pathogenic.

Kariminejad - Najmabadi Pathology & Genetics Center
Classification: Likely pathogenic for Abnormality of the musculature. Last evaluated: 2021-07-10. Review status: criteria provided, single submitter. Criteria: ACMG Guidelines, 2015. Collection method: clinical testing. Allele origin: germline. Affected: yes.

Genomic Research Center, Shahid Beheshti University of Medical Sciences
Classification: Pathogenic for Duchenne muscular dystrophy. Last evaluated: 2018-08-07. Review status: criteria provided, single submitter. Criteria: ACMG Guidelines, 2015. Collection method: clinical testing. Allele origin: inherited. Affected: yes. Observed: 1 variant allele.

Literature cited by the submitters: PubMed 16770791 (cited by Labcorp Genetics (formerly Invitae), Labcorp); PubMed 25007885 (cited by Labcorp Genetics (formerly Invitae), Labcorp); PubMed 31081998 (cited by Labcorp Genetics (formerly Invitae), Labcorp).